The following is an entry in ClinVar:

ClinVar aggregate classification (germline): Pathogenic/Likely pathogenic. Review status: criteria provided, multiple submitters, no conflicts (2 of 4 stars). 8 submissions from 8 submitters: Pathogenic (3); Likely pathogenic (5). Last evaluated 2026-10-05.

Conditions:
Polycystic kidney disease 2 (PKD2). Also called: Polycystic Kidney Disease 2, Autosomal Dominant; POLYCYSTIC KIDNEY DISEASE 2 WITH OR WITHOUT POLYCYSTIC LIVER DISEASE; POLYCYSTIC KIDNEY DISEASE, ADULT, TYPE II. Identifiers: MedGen C2751306, MONDO:0013131, OMIM 613095.
PKD2-related disorder. Also called: PKD2-related condition.
Inborn genetic diseases. Identifiers: MedGen C0950123, MeSH D030342.

Allele frequency attached by ClinVar (database versions not stated): gnomAD exomes below 0.00001.
gnomAD v4.1: 2 of 1,614,010 alleles (0.00012%); highest among the groups gnomAD compares: Non-Finnish European, 0.00017%; no homozygotes.

Submissions (8):

GeneDx
Classification: Likely pathogenic. Last evaluated: 2026-10-05. Review status: criteria provided, single submitter. Criteria: GeneDx Variant Classification Process June 2021. Collection method: clinical testing. Allele origin: germline.
Comment: Published functional studies suggest p.(R325Q) leads to loss of ciliary current and shift of voltage-dependent channel opening (PMID: 32332171); Not observed at significant frequency in large population cohorts (gnomAD); In silico analysis suggests that this missense variant does not alter protein structure/function; This variant is associated with the following publications: (PMID: 20950398, 31740684, 22008521, 36763973, 32457805, 33454723, 28356211, 17582161, 37372416, 37028763, 39900437, 32332171)

Genetics Department, Catlab
Classification: Likely pathogenic for Polycystic kidney disease 2. Last evaluated: 2025-05-09. Review status: criteria provided, single submitter. Criteria: ACMG Guidelines, 2015. Collection method: clinical testing. Allele origin: germline. Affected: yes. Observed: 1 variant allele.
Comment: The c.974G>A missense variant has been previously identifed in multiple independent patients with PQRAD (PS4_strong) and has been shown to segregate in at least two generations of a family (PMID:17582161) (PP1_supporting). It is a very rare variant in the gnomAD v4.1 (MAF=0.000001239) (PM2_moderate) and situated in the PC-A protein domain (PM1_moderate). With all the available evidence, the variant is classified as likely pathogenic.

Fulgent Genetics
Classification: Pathogenic for Polycystic kidney disease 2. Last evaluated: 2024-02-26. Review status: criteria provided, single submitter. Criteria: ACMG Guidelines, 2015. Collection method: clinical testing. Allele origin: germline.

PreventionGenetics, part of Exact Sciences
Classification: Pathogenic for PKD2-related condition. Last evaluated: 2023-09-27. Review status: criteria provided, single submitter. Criteria: ACMG Guidelines, 2015. Collection method: clinical testing. Allele origin: germline.
Comment: The PKD2 c.974G>A variant is predicted to result in the amino acid substitution p.Arg325Gln. This variant has not been reported in a large population database, indicating this variant is rare. This variant has been reported to segregate with autosomal dominant polycystic kidney disease (ADPKD) in a family and was classified as a “highly likely pathogenic” variant (Rossetti et al. 2007. PubMed ID: 17582161). Later, it was repeatedly reported in other presumably unrelated individuals with polycystic kidney disease (Bataille et al. 2011. PubMed ID: 22008521; Kim et al. 2019. PubMed ID: 31740684, supplementary tables; Vien et al. 2020. PubMed ID: 32332171; Benson et al. 2021. PubMed ID: 33454723, Suppl. Table 3). The Vien et al. study suggested that variants located within the TOP domain of polycystin-2 (encoded by PKD2), including this variant, result in failure to open the channels at normal voltages although the channels can be normally assembled. Of note, we have found this variant in the heterozygous state in presumably unrelated patients tested for polycystic kidney disease at PreventionGenetics. Taken together, this variant is interpreted as pathogenic.

Ambry Genetics
Classification: Likely pathogenic for Inborn genetic diseases. Last evaluated: 2021-12-28. Review status: criteria provided, single submitter. Criteria: Ambry Variant Classification Scheme 2023. Collection method: clinical testing. Allele origin: germline.
Comment: The c.974G>A (p.R325Q) alteration is located in exon 4 (coding exon 4) of the PKD2 gene. This alteration results from a G to A substitution at nucleotide position 974, causing the arginine (R) at amino acid position 325 to be replaced by a glutamine (Q). This variant was not reported in population-based cohorts in the Genome Aggregation Database (gnomAD). This variant has been identified in several families with autosomal dominant polycystic kidney disease (Rossetti, 2007; Cornec-Le Gall, 2017; Kim, 2019; Mantovani, 2020). Based on the available evidence, this alteration is classified as likely pathogenic.

Blueprint Genetics
Classification: Pathogenic for PKD2-related disorders. Last evaluated: 2021-05-31. Review status: criteria provided, single submitter. Criteria: ACMG Guidelines, 2015. Collection method: clinical testing. Allele origin: germline. Affected: yes. Observed: 1 variant allele.

Cavalleri Lab, Royal College of Surgeons in Ireland
Classification: Likely pathogenic for Polycystic kidney disease 2. Last evaluated: 2020-02-05. Review status: criteria provided, single submitter. Criteria: ACMG Guidelines, 2015. Collection method: research. Allele origin: unknown. Inheritance: Autosomal dominant inheritance. Affected: yes.
Comment: PM2, PP2, PP3, PP4, PP5

Juno Genomics, Hangzhou Juno Genomics, Inc
Classification: Likely pathogenic for Polycystic kidney disease 2. Review status: criteria provided, single submitter. Criteria: ACMG Guidelines, 2015. Collection method: clinical testing. Allele origin: germline. Affected: yes.
Comment: Absent from controls (or at extremely low frequency if recessive) in Genome Aggregation Database.;The prevalence of the variant in affected individuals is significantly increased compared to the prevalence in controls.;Patient's phenotype or family history is highly specific for a disease with a single genetic etiology.;Well-established in vitro or in vivo functional studies supportive of a damaging effect on the gene or gene product.

Literature cited by the submitters: PubMed 17582161 (cited by Genetics Department, Catlab and Ambry Genetics); PubMed 28356211 (cited by Ambry Genetics); PubMed 31740684 (cited by Ambry Genetics); PubMed 32457805 (cited by Ambry Genetics).

NM_000297.4(PKD2):c.974G>A (p.Arg325Gln)

Gene: PKD2 (polycystin 2, transient receptor potential cation channel; plus strand). Cytogenetic location: 4q22.1.
Variant type: single nucleotide variant.
Coding change: c.974G>A on transcript NM_000297.4 (MANE Select); coding-DNA position 974, G replaced by A.
Protein change: p.Arg325Gln; replaces arginine 325 with glutamine.
Molecular consequence: missense variant. On other transcripts: non-coding transcript variant (1).
Genome position (GRCh38, 1-based): chr4:88,038,381, G>A. VCF-style: chr4-88038381-G-A. GRCh37 (hg19) VCF-style: chr4-88959533-G-A.
Other names: c.974G>A (NM_000297.3); short protein forms R325Q.
Identifiers: ClinVar variation 873387 (VCV000873387.13), dbSNP rs1727420867, ClinGen allele CA357632833.